The following is an entry in ClinVar:

NM_000020.3(ACVRL1):c.1073del (p.Gly358fs)

Gene: ACVRL1 (activin A receptor like type 1; plus strand). Cytogenetic location: 12q13.13.
Variant type: Deletion.
Coding change: c.1073del on transcript NM_000020.3 (MANE Select); coding-DNA position 1073, one base deleted (G; older notation c.1073delG).
Protein change: p.Gly358fs; shifts the reading frame from glycine 358.
Molecular consequence: frameshift variant.
Genome position (GRCh38, 1-based): chr12:51,916,060, G deleted; the last of 3 consecutive G bases (chr12:51,916,058-51,916,060); deleting any one gives the same sequence. VCF-style (leftmost placement, unchanged base first): chr12-51916057-AG-A. GRCh37 (hg19) VCF-style: chr12-52309841-AG-A.
Other names: c.1073del, p.Gly358fs (NM_001077401.2); short protein forms G358fs.
Identifiers: ClinVar variation 1163532 (VCV001163532.5), dbSNP rs2139075930, ClinGen allele CA2499221749.

ClinVar aggregate classification (germline): Pathogenic (1 of 4 stars; one submission).

Submission:

Mayo Clinic Laboratories, Mayo Clinic
Classification: Pathogenic. Last evaluated: 2021-03-23. Review status: criteria provided, single submitter. Criteria: ACMG Guidelines, 2015. Collection method: clinical testing. Allele origin: germline. Observed: 1 variant allele.
Comment: PVS1, PM2, PS4_supporting

Literature cited by the submitters: PubMed 15517393.